The following is an entry in ClinVar:

NM_004385.5(VCAN):c.2938A>G (p.Lys980Glu)

Gene: VCAN (versican; plus strand). Cytogenetic location: 5q14.3.
Variant type: single nucleotide variant.
Coding change: c.2938A>G on transcript NM_004385.5 (MANE Select); coding-DNA position 2938, A replaced by G.
Protein change: p.Lys980Glu; replaces lysine 980 with glutamic acid.
Molecular consequence: missense variant. On other transcripts: intron variant (2).
Genome position (GRCh38, 1-based): chr5:83,521,244, A>G. VCF-style: chr5-83521244-A-G. GRCh37 (hg19) VCF-style: chr5-82817063-A-G.
Other names: c.2938A>G, p.Lys980Glu (NM_001164098.2); c.1042+8848A>G (NM_001164097.2, NM_001126336.3); short protein forms K980E.
Identifiers: ClinVar variation 4713622 (VCV004713622.1).
Genomic context (GRCh38, chr5:83,521,244, plus strand): 5'-ACCCAAGAGCCTACTACTTATGTAGACTCTTCCCATACCATTCCTCTTTCTGTAATTCCC[A>G]AGACAGACTGGGGAGTGTTAGTACCTTCTGTTCCATCAGAAGATGAAGTTCTAGGTGAAC-3'
Protein context (NP_004376.2, residues 970-990): SHTIPLSVIP[Lys980Glu]TDWGVLVPSV

ClinVar aggregate classification (germline): Uncertain significance (1 of 4 stars; one submission).

Submission:

Labcorp Genetics (formerly Invitae), Labcorp
Classification: Uncertain significance. Last evaluated: 2025-02-26. Review status: criteria provided, single submitter. Criteria: Invitae Variant Classification Sherloc (09022015). Collection method: clinical testing. Allele origin: germline.
Comment: This sequence change replaces lysine, which is basic and polar, with glutamic acid, which is acidic and polar, at codon 980 of the VCAN protein (p.Lys980Glu). This variant is not present in population databases (gnomAD no frequency). This variant has not been reported in the literature in individuals affected with VCAN-related conditions. An algorithm developed to predict the effect of missense changes on protein structure and function outputs the following: PolyPhen-2: "Benign". The glutamic acid amino acid residue is found in multiple mammalian species, which suggests that this missense change does not adversely affect protein function. In summary, the available evidence is currently insufficient to determine the role of this variant in disease. Therefore, it has been classified as a Variant of Uncertain Significance.